The following is an entry in ClinVar:

NM_025000.4(DCAF17):c.51G>T (p.Ala17=)

Genes: DCAF17 (DDB1 and CUL4 associated factor 17; plus strand), METTL8 (methyltransferase 8, tRNA N3-cytidine; minus strand). Cytogenetic location: 2q31.1.
Variant type: single nucleotide variant.
Coding change: c.51G>T on transcript NM_025000.4 (MANE Select); coding-DNA position 51, G replaced by T.
Protein change: p.Ala17=; no amino-acid change (alanine 17 retained).
Molecular consequence: synonymous variant. On other transcripts: non-coding transcript variant (1), intron variant (4).
Genome position (GRCh38, 1-based): chr2:171,434,628, G>T. VCF-style: chr2-171434628-G-T. GRCh37 (hg19) VCF-style: chr2-172291138-G-T.
Other names: c.51G>T, p.Ala17= (NM_001164821.2); c.8+46C>A (NM_001321161.2, NM_001321158.2, NM_001321157.2); c.-13+46C>A (NM_024770.5).
Identifiers: ClinVar variation 2725101 (VCV002725101.4), dbSNP rs780114312, ClinGen allele CA1964539.

ClinVar aggregate classification (germline): Likely benign. Review status: criteria provided, single submitter (1 of 4 stars). 2 submissions from 2 submitters: Likely benign (1). 1 of the submissions does not count toward it. Last evaluated 2025-11-13.

Conditions:
Woodhouse-Sakati syndrome. Also called: Hypogonadism, Alopecia, Diabetes Mellitus, Mental Retardation, and Extrapyramidal Syndrome; Hypogonadism, diabetes mellitus, alopecia, mental retardation and electrocardiographic abnormalities; EXTRAPYRAMIDAL DISORDER, PROGRESSIVE, WITH PRIMARY HYPOGONADISM, MENTAL RETARDATION, AND ALOPECIA. Identifiers: Orphanet 3464, MedGen C0342286, MONDO:0009419, OMIM 241080.
DCAF17-related disorder. Also called: DCAF17-related condition.

gnomAD v4.1: 15 of 1,531,838 alleles (0.00098%); highest among the groups gnomAD compares: South Asian, 0.016%; no homozygotes.

Submissions (2):

Labcorp Genetics (formerly Invitae), Labcorp
Classification: Likely benign for Woodhouse-Sakati syndrome. Last evaluated: 2025-11-13. Review status: criteria provided, single submitter. Criteria: Invitae Variant Classification Sherloc (09022015). Collection method: clinical testing. Allele origin: germline.

PreventionGenetics, part of Exact Sciences
Classification: Likely benign for DCAF17-related condition. Last evaluated: 2024-08-24. Review status: no assertion criteria provided. Collection method: clinical testing. Allele origin: germline. Not counted in ClinVar's aggregate classification.
Comment: This variant is classified as likely benign based on ACMG/AMP sequence variant interpretation guidelines (Richards et al. 2015 PMID: 25741868, with internal and published modifications).